The following is an entry in ClinVar:

NM_017654.4(SAMD9):c.2512T>A (p.Ser838Thr)

Gene: SAMD9 (sterile alpha motif domain containing 9; minus strand). Cytogenetic location: 7q21.2.
Variant type: single nucleotide variant.
Coding change: c.2512T>A on transcript NM_017654.4 (MANE Select); coding-DNA position 2512, T replaced by A.
Protein change: p.Ser838Thr; replaces serine 838 with threonine.
Molecular consequence: missense variant.
Genome position (GRCh38, 1-based): chr7:93,103,586, A>T on the plus strand (T>A on the coding strand, the complement: SAMD9 is on the minus strand). VCF-style: chr7-93103586-A-T. GRCh37 (hg19) VCF-style: chr7-92732899-A-T.
Other names: c.2512T>A, p.Ser838Thr (NM_001193307.2); short protein forms S838T.
Identifiers: ClinVar variation 4159107 (VCV004159107.1).

ClinVar aggregate classification (germline): Uncertain significance (1 of 4 stars; one submission).

Conditions:
Inborn genetic diseases. Identifiers: MedGen C0950123, MeSH D030342.

Submission:

Ambry Genetics
Classification: Uncertain significance for Inborn genetic diseases. Last evaluated: 2025-07-28. Review status: criteria provided, single submitter. Criteria: Ambry Variant Classification Scheme 2023. Collection method: clinical testing. Allele origin: germline.
Comment: The p.S838T variant (also known as c.2512T>A), located in coding exon 1 of the SAMD9 gene, results from a T to A substitution at nucleotide position 2512. The serine at codon 838 is replaced by threonine, an amino acid with similar properties. This amino acid position is conserved. In addition, the in silico prediction for this alteration is inconclusive. Based on the available evidence, the clinical significance of this variant remains unclear.